The following is an entry in ClinVar:

NM_015559.3(SETBP1):c.1354C>T (p.Leu452Phe)

Gene: SETBP1 (SET binding protein 1; plus strand). Cytogenetic location: 18q12.3.
Variant type: single nucleotide variant.
Coding change: c.1354C>T on transcript NM_015559.3 (MANE Select); coding-DNA position 1354, C replaced by T.
Protein change: p.Leu452Phe; replaces leucine 452 with phenylalanine.
Molecular consequence: missense variant.
Genome position (GRCh38, 1-based): chr18:44,950,694, C>T. VCF-style: chr18-44950694-C-T. GRCh37 (hg19) VCF-style: chr18-42530659-C-T.
Other names: c.1354C>T, p.Leu452Phe (NM_001379141.1, NM_001379142.1); short protein forms L452F.
Identifiers: ClinVar variation 1200454 (VCV001200454.12), dbSNP rs576758055, ClinGen allele CA8945600.

ClinVar aggregate classification (germline): Benign/Likely benign. Review status: criteria provided, multiple submitters, no conflicts (2 of 4 stars). 3 submissions from 3 submitters: Benign (1); Likely benign (2). Last evaluated 2026-07-07.

Conditions:
SETBP1-related disorder. Also called: SETBP1-related condition; SETBP1-related disorders.

Allele frequency attached by ClinVar (database versions not stated): ExAC 0.00001; gnomAD exomes 0.00002; gnomAD 0.00003 and 0.00004; TOPMed 0.00006; 1000 Genomes Project 30x 0.00016; 1000 Genomes Project 0.00020.
gnomAD v4.1: 42 of 1,614,170 alleles (0.0026%); highest among the groups gnomAD compares: Admixed American, 0.017%; no homozygotes.

Submissions (3):

PreventionGenetics, part of Exact Sciences
Classification: Likely benign for SETBP1-related condition. Last evaluated: 2026-07-07. Review status: criteria provided, single submitter. Criteria: ACMG Guidelines, 2015. Collection method: clinical testing. Allele origin: germline.
Comment: This variant is classified as likely benign based on ACMG/AMP sequence variant interpretation guidelines (Richards et al. 2015 PMID: 25741868, with internal and published modifications).

Labcorp Genetics (formerly Invitae), Labcorp
Classification: Benign. Last evaluated: 2025-06-09. Review status: criteria provided, single submitter. Criteria: Invitae Variant Classification Sherloc (09022015). Collection method: clinical testing. Allele origin: germline.

GeneDx
Classification: Likely benign. Last evaluated: 2021-04-23. Review status: criteria provided, single submitter. Criteria: GeneDx Variant Classification Process June 2021. Collection method: clinical testing. Allele origin: germline. Affected: yes.